The following is an entry in ClinVar:

ClinVar aggregate classification (germline): Benign. Review status: criteria provided, multiple submitters, no conflicts (2 of 4 stars). 3 submissions from 3 submitters: Benign (3). Last evaluated 2018-12-02.

Conditions:
46,XY sex reversal 7. Also called: 46,XY GONADAL DYSGENESIS, PARTIAL OR COMPLETE, DHH-RELATED; DHH-Related 46,XY complete gonadal dysgenesis; GONADAL DYSGENESIS, XY, MALE-LIMITED; 46,XY SEX REVERSAL, PARTIAL OR COMPLETE, DHH-RELATED. Identifiers: Orphanet 242, MedGen C1856273, MONDO:0009301, OMIM 233420.

Allele frequency attached by ClinVar (database versions not stated): 1000 Genomes Project 0.02895; gnomAD 0.03029 and 0.03268; TOPMed 0.03472; 1000 Genomes Project 30x 0.03076.
gnomAD v4.1: 7,854 of 1,411,322 alleles (0.56%); highest among the groups gnomAD compares: African/African-American, 10%; 370 homozygotes.

Submissions (3):

GeneDx
Classification: Benign. Last evaluated: 2018-12-02. Review status: criteria provided, single submitter. Criteria: GeneDx Variant Classification Process June 2021. Collection method: clinical testing. Allele origin: germline. Affected: yes.

Illumina Laboratory Services, Illumina
Classification: Benign for 46,XY gonadal dysgenesis, complete, dhh-related. Last evaluated: 2018-01-13. Review status: criteria provided, single submitter. Criteria: ICSL Variant Classification Criteria 13 December 2019. Collection method: clinical testing. Allele origin: germline.
Comment: This variant was observed in the ICSL laboratory as part of a predisposition screen in an ostensibly healthy population. It had not been previously curated by ICSL or reported in the Human Gene Mutation Database (HGMD: prior to June 1st, 2018), and was therefore a candidate for classification through an automated scoring system. Utilizing variant allele frequency, disease prevalence and penetrance estimates, and inheritance mode, an automated score was calculated to assess if this variant is too frequent to cause the disease. Based on the score and internal cut-off values, a variant classified as benign is not then subjected to further curation. The score for this variant resulted in a classification of benign for this disease.

Breakthrough Genomics
Classification: Benign. Review status: criteria provided, single submitter. Criteria: ACMG Guidelines, 2015. Collection method: not provided. Allele origin: germline. Inheritance: Autosomal recessive inheritance. Affected: yes.

NM_021044.4(DHH):c.*87G>T

Gene: DHH (desert hedgehog signaling molecule; minus strand). Cytogenetic location: 12q13.12.
Variant type: single nucleotide variant.
Coding change: c.*87G>T on transcript NM_021044.4 (MANE Select); 87 bases downstream of the stop codon, G replaced by T.
Molecular consequence: 3 prime UTR variant.
Genome position (GRCh38, 1-based): chr12:49,089,772, C>A on the plus strand (G>T on the coding strand, the complement: DHH is on the minus strand). VCF-style: chr12-49089772-C-A. GRCh37 (hg19) VCF-style: chr12-49483555-C-A.
Identifiers: ClinVar variation 309097 (VCV000309097.8), dbSNP rs75012285, ClinGen allele CA10632942.